The following is an entry in ClinVar:

ClinVar aggregate classification (germline): Uncertain significance (1 of 4 stars; one submission).

Allele frequency attached by ClinVar (database versions not stated): 1000 Genomes Project 30x 0.00016; 1000 Genomes Project 0.00020.
gnomAD v4.1: 4 of 1,610,170 alleles (0.00025%); highest among the groups gnomAD compares: Middle Eastern, 0.016%; no homozygotes.

Submission:

Labcorp Genetics (formerly Invitae), Labcorp
Classification: Uncertain significance. Last evaluated: 2022-09-27. Review status: criteria provided, single submitter. Criteria: Invitae Variant Classification Sherloc (09022015). Collection method: clinical testing. Allele origin: germline.
Comment: In summary, the available evidence is currently insufficient to determine the role of this variant in disease. Therefore, it has been classified as a Variant of Uncertain Significance. Algorithms developed to predict the effect of missense changes on protein structure and function (SIFT, PolyPhen-2, Align-GVGD) all suggest that this variant is likely to be tolerated. This variant has not been reported in the literature in individuals affected with SLC18A3-related conditions. This variant is present in population databases (rs563318974, gnomAD 0.007%). This sequence change replaces arginine, which is basic and polar, with leucine, which is neutral and non-polar, at codon 479 of the SLC18A3 protein (p.Arg479Leu).

NM_003055.3(SLC18A3):c.1436G>T (p.Arg479Leu)

Genes: CHAT (choline O-acetyltransferase; plus strand), SLC18A3 (solute carrier family 18 member A3; plus strand). Cytogenetic location: 10q11.23.
Variant type: single nucleotide variant.
Coding change: c.1436G>T on transcript NM_003055.3 (MANE Select); coding-DNA position 1436, G replaced by T.
Protein change: p.Arg479Leu; replaces arginine 479 with leucine.
Molecular consequence: missense variant. On other transcripts: intron variant (1).
Genome position (GRCh38, 1-based): chr10:49,612,176, G>T. VCF-style: chr10-49612176-G-T. GRCh37 (hg19) VCF-style: chr10-50820222-G-T.
Other names: c.-69+2977G>T (NM_020984.4); short protein forms R479L.
Identifiers: ClinVar variation 1943819 (VCV001943819.4), dbSNP rs563318974, ClinGen allele CA5496962.